The following is an entry in ClinVar:

ClinVar aggregate classification (germline): Uncertain significance. Review status: criteria provided, multiple submitters, no conflicts (2 of 4 stars). 2 submissions from 2 submitters: Uncertain significance (2). Last evaluated 2024-12-27.

Conditions:
Familial hypocalciuric hypercalcemia (FHH). Also called: Familial benign hypercalcemia. Identifiers: Orphanet 405, MedGen C1809471, MONDO:0018458.
Autosomal dominant hypocalcemia 1 (HYPOC1). Also called: HYPOCALCEMIA, FAMILIAL. Identifiers: MedGen C3715128, MONDO:0011013, OMIM 601198.

Submissions (2):

GeneDx
Classification: Uncertain significance. Last evaluated: 2024-12-27. Review status: criteria provided, single submitter. Criteria: GeneDx Variant Classification Process June 2021. Collection method: clinical testing. Allele origin: germline. Affected: yes.
Comment: Not observed at significant frequency in large population cohorts (gnomAD); In silico analysis supports that this missense variant has a deleterious effect on protein structure/function; Has not been previously published as pathogenic or benign to our knowledge

Labcorp Genetics (formerly Invitae), Labcorp
Classification: Uncertain significance for Familial hypocalciuric hypercalcemia; Autosomal dominant hypocalcemia 1. Last evaluated: 2017-07-30. Review status: criteria provided, single submitter. Criteria: Invitae Variant Classification Sherloc (09022015). Collection method: clinical testing. Allele origin: germline.
Comment: This sequence change replaces arginine with proline at codon 866 of the CASR protein (p.Arg866Pro). The arginine residue is highly conserved and there is a moderate physicochemical difference between arginine and proline. This variant is not present in population databases (ExAC no frequency). This variant has not been reported in the literature in individuals with a CASR-related disease. Algorithms developed to predict the effect of missense changes on protein structure and function (SIFT, PolyPhen-2, Align-GVGD) all suggest that this variant is likely to be disruptive, but these predictions have not been confirmed by published functional studies and their clinical significance is uncertain. In summary, this variant has uncertain impact on CASR function. The available evidence is currently insufficient to determine its role in disease. Therefore, it has been classified as a Variant of Uncertain Significance.

NM_000388.4(CASR):c.2597G>C (p.Arg866Pro)

Gene: CASR (calcium sensing receptor; plus strand). Cytogenetic location: 3q21.1.
Variant type: single nucleotide variant.
Coding change: c.2597G>C on transcript NM_000388.4 (MANE Select); coding-DNA position 2597, G replaced by C.
Protein change: p.Arg866Pro; replaces arginine 866 with proline.
Molecular consequence: missense variant.
Genome position (GRCh38, 1-based): chr3:122,284,551, G>C. VCF-style: chr3-122284551-G-C. GRCh37 (hg19) VCF-style: chr3-122003398-G-C.
Other names: c.2627G>C, p.Arg876Pro (NM_001178065.2); short protein forms R866P, R876P.
Identifiers: ClinVar variation 463931 (VCV000463931.11), dbSNP rs387907401, ClinGen allele CA354160373.
Genomic context (GRCh38, chr3:122,284,551, plus strand): 5'-TTGGCTTGCTGGCGTGCATCTTCTTCAACAAGATCTACATCATTCTCTTCAAGCCATCCC[G>C]CAACACCATCGAGGAGGTGCGTTGCAGCACCGCAGCTCACGCTTTCAAGGTGGCTGCCCG-3'
Protein context (NP_000379.3, residues 856-876): KIYIILFKPS[Arg866Pro]NTIEEVRCST